The following is an entry in ClinVar:

ClinVar aggregate classification (germline): Benign/Likely benign. Review status: criteria provided, multiple submitters, no conflicts (2 of 4 stars). 3 submissions from 3 submitters: Benign (1); Likely benign (2). Last evaluated 2024-04-03.

Conditions:
Familial adenomatous polyposis 1 (FAP1). Also called: FAMILIAL ADENOMATOUS POLYPOSIS 1, ATTENUATED; POLYPOSIS, ADENOMATOUS INTESTINAL. Identifiers: MedGen C2713442, MONDO:0021056, OMIM 175100. Disease mechanism: loss of function.
Hereditary cancer-predisposing syndrome. Also called: Neoplastic Syndromes, Hereditary; Tumor predisposition; Hereditary Cancer Syndrome; Hereditary neoplastic syndrome. Identifiers: Orphanet 140162, MedGen C0027672, MeSH D009386, MONDO:0015356.

Submissions (3):

Myriad Genetics, Inc.
Classification: Benign for Familial adenomatous polyposis 1. Last evaluated: 2024-04-03. Review status: criteria provided, single submitter. Criteria: Myriad Autosomal Dominant, Autosomal Recessive and X-Linked Classification Criteria (2023). Collection method: clinical testing. Allele origin: unknown.
Comment: This variant is considered benign. This variant is a silent/synonymous amino acid change and it is not expected to impact splicing.

Labcorp Genetics (formerly Invitae), Labcorp
Classification: Likely benign for Familial adenomatous polyposis 1. Last evaluated: 2020-06-26. Review status: criteria provided, single submitter. Criteria: Invitae Variant Classification Sherloc (09022015). Collection method: clinical testing. Allele origin: germline.

Ambry Genetics
Classification: Likely benign for Hereditary cancer-predisposing syndrome. Last evaluated: 2017-06-15. Review status: criteria provided, single submitter. Criteria: Ambry Variant Classification Scheme 2023. Collection method: clinical testing. Allele origin: germline.

NM_000038.6(APC):c.5850G>A (p.Lys1950=)

Gene: APC (APC regulator of Wnt signaling pathway; plus strand). Cytogenetic location: 5q22.2.
Variant type: single nucleotide variant.
Coding change: c.5850G>A on transcript NM_000038.6 (MANE Select); coding-DNA position 5850, G replaced by A.
Protein change: p.Lys1950=; no amino-acid change (lysine 1950 retained).
Molecular consequence: synonymous variant.
Genome position (GRCh38, 1-based): chr5:112,841,444, G>A. VCF-style: chr5-112841444-G-A. GRCh37 (hg19) VCF-style: chr5-112177141-G-A.
Other names: c.5850G>A, p.Lys1950= (NM_001127510.3, NM_001354895.2); c.5796G>A, p.Lys1932= (NM_001127511.3); c.5904G>A, p.Lys1968= (NM_001354896.2); c.5880G>A, p.Lys1960= (NM_001354897.2); c.5775G>A, p.Lys1925= (NM_001354898.2); c.5766G>A, p.Lys1922= (NM_001354899.2); c.5727G>A, p.Lys1909= (NM_001354900.2); c.5673G>A, p.Lys1891= (NM_001354901.2); and 5 more.
Identifiers: ClinVar variation 485103 (VCV000485103.16), dbSNP rs1554087034, ClinGen allele CA446209871.